The following is an entry in ClinVar:

NM_000260.4(MYO7A):c.2878G>T (p.Glu960Ter)

Gene: MYO7A (myosin VIIA; plus strand). Cytogenetic location: 11q13.5.
Variant type: single nucleotide variant.
Coding change: c.2878G>T on transcript NM_000260.4 (MANE Select); coding-DNA position 2878, G replaced by T.
Protein change: p.Glu960Ter; replaces glutamic acid 960 with a stop codon.
Molecular consequence: nonsense.
Genome position (GRCh38, 1-based): chr11:77,181,563, G>T. VCF-style: chr11-77181563-G-T. GRCh37 (hg19) VCF-style: chr11-76892609-G-T.
Other names: c.2878G>T, p.Glu960Ter (NM_001127180.2); c.2845G>T, p.Glu949Ter (NM_001369365.1); short protein forms E960*, E949*.
Identifiers: ClinVar variation 553827 (VCV000553827.9), dbSNP rs782131913, ClinGen allele CA6197946.

ClinVar aggregate classification (germline): Pathogenic. Review status: criteria provided, multiple submitters, no conflicts (2 of 4 stars). 4 submissions from 4 submitters: Pathogenic (3). 1 of the submissions does not count toward it. Last evaluated 2025-11-16.

Conditions:
Autosomal recessive nonsyndromic hearing loss 2. Also called: DEAFNESS, AUTOSOMAL RECESSIVE 2; NEUROSENSORY NONSYNDROMIC RECESSIVE DEAFNESS 2. Identifiers: Orphanet 90636, MedGen C1838701, MONDO:0010807, OMIM 600060.
Usher syndrome type 1 (USH1). Also called: RETINITIS PIGMENTOSA AND CONGENITAL DEAFNESS. Identifiers: Orphanet 231169, Orphanet 886, MedGen C1568247, MONDO:0010168, OMIM 276900.

Allele frequency attached by ClinVar (database versions not stated): gnomAD exomes below 0.00001 and 0.00001; ExAC 0.00001.
gnomAD v4.1: 2 of 1,613,334 alleles (0.00012%); highest among the groups gnomAD compares: Non-Finnish European, 0.00017%; no homozygotes.

Submissions (4):

3billion
Classification: Pathogenic for Usher syndrome type 1. Last evaluated: 2025-11-16. Review status: criteria provided, single submitter. Criteria: ACMG Guidelines, 2015. Collection method: clinical testing. Allele origin: germline. Affected: yes.
Comment: The variant is observed at an extremely low frequency in the gnomAD v4.1.0 dataset (total allele frequency: <0.001%). Predicted Consequence/Location: Stop-gained (nonsense): predicted to result in a loss or disruption of normal protein function through nonsense-mediated decay (NMD) or protein truncation. Multiple pathogenic variants are reported downstream of the variant. The variant has been reported to be associated with MYO7A-related disorder (ClinVar ID: VCV000553827 /PMID: 10094549). Therefore, this variant is classified as Pathogenic according to the recommendation of ACMG/AMP guideline.

Labcorp Genetics (formerly Invitae), Labcorp
Classification: Pathogenic. Last evaluated: 2022-10-24. Review status: criteria provided, single submitter. Criteria: Invitae Variant Classification Sherloc (09022015). Collection method: clinical testing. Allele origin: germline.
Comment: For these reasons, this variant has been classified as Pathogenic. Algorithms developed to predict the effect of sequence changes on RNA splicing suggest that this variant may disrupt the consensus splice site. ClinVar contains an entry for this variant (Variation ID: 553827). This premature translational stop signal has been observed in individual(s) with Usher syndrome (PMID: 10094549). This variant is present in population databases (rs782131913, gnomAD 0.002%). This sequence change creates a premature translational stop signal (p.Glu960*) in the MYO7A gene. It is expected to result in an absent or disrupted protein product. Loss-of-function variants in MYO7A are known to be pathogenic (PMID: 8900236, 25404053).

Clinical Genetics Service, Universitary Hospital 12 de Octubre
Classification: Pathogenic for Autosomal recessive nonsyndromic hearing loss 2. Review status: criteria provided, single submitter. Criteria: ACMG Guidelines, 2015. Collection method: clinical testing. Allele origin: maternal. Affected: yes.

Counsyl
Classification: Likely pathogenic for Usher syndrome type 1; Autosomal recessive nonsyndromic hearing loss 2. Last evaluated: 2017-09-08. Review status: no assertion criteria provided. Collection method: clinical testing. Allele origin: unknown. Not counted in ClinVar's aggregate classification.

Literature cited by the submitters: PubMed 10094549 (cited by 3 submitters); PubMed 8900236 (cited by Labcorp Genetics (formerly Invitae), Labcorp); PubMed 25404053 (cited by Labcorp Genetics (formerly Invitae), Labcorp).